The following is an entry in ClinVar:

ClinVar aggregate classification (germline): Uncertain significance. Review status: criteria provided, multiple submitters, no conflicts (2 of 4 stars). 2 submissions from 2 submitters: Uncertain significance (2). Last evaluated 2025-11-11.

Conditions:
Inborn genetic diseases. Identifiers: MedGen C0950123, MeSH D030342.

gnomAD v4.1: 5 of 1,613,934 alleles (0.00031%); highest among the groups gnomAD compares: African/African-American, 0.0013%; no homozygotes.

Submissions (2):

Women's Health and Genetics/Laboratory Corporation of America, LabCorp
Classification: Uncertain significance. Last evaluated: 2025-11-11. Review status: criteria provided, single submitter. Criteria: LabCorp Variant Classification Summary - May 2015. Collection method: clinical testing. Allele origin: germline.
Comment: Variant summary: TRIO c.5722G>A (p.Glu1908Lys) results in a conservative amino acid change in the encoded protein sequence. Algorithms developed to predict the effect of missense changes on protein structure and function are either unavailable or do not agree on the potential impact of this missense change. The variant allele was found at a frequency of 4e-06 in 251488 control chromosomes. The available data on variant occurrences in the general population are insufficient to allow any conclusion about variant significance. To our knowledge, no occurrence of c.5722G>A in individuals affected with TRIO-related conditions and no experimental evidence demonstrating its impact on protein function have been reported. ClinVar contains an entry for this variant (Variation ID: 4191237). Based on the evidence outlined above, the variant was classified as uncertain significance.

Ambry Genetics
Classification: Uncertain significance for Inborn genetic diseases. Last evaluated: 2025-09-10. Review status: criteria provided, single submitter. Criteria: Ambry Variant Classification Scheme 2023. Collection method: clinical testing. Allele origin: germline.

NM_007118.4(TRIO):c.5722G>A (p.Glu1908Lys)

Gene: TRIO (trio Rho guanine nucleotide exchange factor; plus strand). Cytogenetic location: 5p15.2.
Variant type: single nucleotide variant.
Coding change: c.5722G>A on transcript NM_007118.4 (MANE Select); coding-DNA position 5722, G replaced by A.
Protein change: p.Glu1908Lys; replaces glutamic acid 1908 with lysine.
Molecular consequence: missense variant. On other transcripts: non-coding transcript variant (1).
Genome position (GRCh38, 1-based): chr5:14,465,599, G>A. VCF-style: chr5-14465599-G-A. GRCh37 (hg19) VCF-style: chr5-14465708-G-A.
Other names: short protein forms E1908K.
Identifiers: ClinVar variation 4191237 (VCV004191237.2).